The following is an entry in ClinVar:

ClinVar aggregate classification (germline): Uncertain significance (1 of 4 stars; one submission).

Conditions:
GLS-related disorder. Also called: GLS-related condition.

Submission:

PreventionGenetics, part of Exact Sciences
Classification: Uncertain significance for GLS-related condition. Last evaluated: 2023-09-29. Review status: criteria provided, single submitter. Criteria: ACMG Guidelines, 2015. Collection method: clinical testing. Allele origin: germline.
Comment: The GLS c.1688A>C variant is predicted to result in the amino acid substitution p.Gln563Pro. To our knowledge, this variant has not been reported in the literature or in a large population database, indicating this variant is rare. At this time, the clinical significance of this variant is uncertain due to the absence of conclusive functional and genetic evidence.

NM_014905.5(GLS):c.1650+1116A>C

Gene: GLS (glutaminase; plus strand). Cytogenetic location: 2q32.2.
Variant type: single nucleotide variant.
Coding change: c.1650+1116A>C on transcript NM_014905.5 (MANE Select); 1116 bases into the intron after coding-DNA position 1650, A replaced by C.
Molecular consequence: intron variant. On other transcripts: missense variant (1).
Genome position (GRCh38, 1-based): chr2:190,932,753, A>C. VCF-style: chr2-190932753-A-C. GRCh37 (hg19) VCF-style: chr2-191797479-A-C.
Other names: c.1688A>C, p.Gln563Pro (NM_001256310.2); short protein forms Q563P.
Identifiers: ClinVar variation 2636710 (VCV002636710.1), dbSNP rs2470322092, ClinGen allele CA349910252.